The following is an entry in ClinVar:

NM_004461.3(FARSA):c.1012C>T (p.Arg338Cys)

Gene: FARSA (phenylalanyl-tRNA synthetase subunit alpha; minus strand). Cytogenetic location: 19p13.13.
Variant type: single nucleotide variant.
Coding change: c.1012C>T on transcript NM_004461.3 (MANE Select); coding-DNA position 1012, C replaced by T.
Protein change: p.Arg338Cys; replaces arginine 338 with cysteine.
Molecular consequence: missense variant.
Genome position (GRCh38, 1-based): chr19:12,924,918, G>A on the plus strand (C>T on the coding strand, the complement: FARSA is on the minus strand). VCF-style: chr19-12924918-G-A. GRCh37 (hg19) VCF-style: chr19-13035732-G-A.
Other names: c.1012C>T (NM_004461.2); short protein forms R338C.
Identifiers: ClinVar variation 871679 (VCV000871679.46), dbSNP rs201276620, ClinGen allele CA9235197.

ClinVar aggregate classification (germline): Uncertain significance. Review status: criteria provided, multiple submitters, no conflicts (2 of 4 stars). 4 submissions from 4 submitters: Uncertain significance (3). 1 of the submissions does not count toward it. Last evaluated 2024-06-17.

Conditions:
FARSA-related disorder. Also called: FARSA-related condition.

Allele frequency attached by ClinVar (database versions not stated): gnomAD exomes 0.00023; TOPMed 0.00024; gnomAD 0.00025 and 0.00026; ExAC 0.00027; 1000 Genomes Project 0.00040; 1000 Genomes Project 30x 0.00047.
gnomAD v4.1: 399 of 1,614,246 alleles (0.025%); highest among the groups gnomAD compares: Middle Eastern, 0.51%; 2 homozygotes.

Submissions (4):

Ambry Genetics
Classification: Uncertain significance. Last evaluated: 2024-06-17. Review status: criteria provided, single submitter. Criteria: Ambry Variant Classification Scheme 2023. Collection method: clinical testing. Allele origin: germline.

CeGaT Center for Human Genetics Tuebingen
Classification: Uncertain significance. Last evaluated: 2019-08-01. Review status: criteria provided, single submitter. Criteria: CeGaT Center For Human Genetics Tuebingen Variant Classification Criteria Version 2. Collection method: clinical testing. Allele origin: germline. Affected: yes. Observed: 3 variant alleles.

Breakthrough Genomics
Classification: Uncertain significance. Review status: criteria provided, single submitter. Criteria: ACMG Guidelines, 2015. Collection method: not provided. Allele origin: germline. Inheritance: Autosomal recessive inheritance. Affected: yes.

PreventionGenetics, part of Exact Sciences
Classification: Likely benign for FARSA-related condition. Last evaluated: 2019-02-21. Review status: no assertion criteria provided. Collection method: clinical testing. Allele origin: germline. Not counted in ClinVar's aggregate classification.
Comment: This variant is classified as likely benign based on ACMG/AMP sequence variant interpretation guidelines (Richards et al. 2015 PMID: 25741868, with internal and published modifications).